The following is an entry in ClinVar:

ClinVar aggregate classification (germline): Pathogenic (1 of 4 stars; one submission).

Conditions:
Orthostatic hypotension 1 (ORTHYP1). Also called: Orthostatic hypotension 1, due to DBH deficiency; NORADRENALINE DEFICIENCY; NOREPINEPHRINE DEFICIENCY; Dopamine beta-hydroxylase deficiency. Identifiers: Orphanet 230, MedGen C4746777, MONDO:0009123, OMIM 223360.

Allele frequency attached by ClinVar (database versions not stated): ExAC 0.00001.
gnomAD v4.1: 2 of 1,612,826 alleles (0.00012%); highest among the groups gnomAD compares: Admixed American, 0.0033%; no homozygotes.

Submission:

Labcorp Genetics (formerly Invitae), Labcorp
Classification: Pathogenic for Orthostatic hypotension 1. Last evaluated: 2022-09-27. Review status: criteria provided, single submitter. Criteria: Invitae Variant Classification Sherloc (09022015). Collection method: clinical testing. Allele origin: germline.
Comment: For these reasons, this variant has been classified as Pathogenic. This variant has not been reported in the literature in individuals affected with DBH-related conditions. This variant is present in population databases (rs766640976, gnomAD 0.009%). This sequence change creates a premature translational stop signal (p.Lys239*) in the DBH gene. It is expected to result in an absent or disrupted protein product. Loss-of-function variants in DBH are known to be pathogenic (PMID: 7715704, 15060114).

Literature cited by the submitters: PubMed 7715704; PubMed 15060114.

NM_000787.4(DBH):c.715A>T (p.Lys239Ter)

Gene: DBH (dopamine beta-hydroxylase; plus strand). Cytogenetic location: 9q34.2.
Variant type: single nucleotide variant.
Coding change: c.715A>T on transcript NM_000787.4 (MANE Select); coding-DNA position 715, A replaced by T.
Protein change: p.Lys239Ter; replaces lysine 239 with a stop codon.
Molecular consequence: nonsense.
Genome position (GRCh38, 1-based): chr9:133,642,435, A>T. VCF-style: chr9-133642435-A-T. GRCh37 (hg19) VCF-style: chr9-136507557-A-T.
Other names: short protein forms K239*.
Identifiers: ClinVar variation 1982984 (VCV001982984.4), dbSNP rs766640976, ClinGen allele CA5313158.